The following is an entry in ClinVar:

NM_201253.3(CRB1):c.1244T>A (p.Leu415Ter)

Gene: CRB1 (crumbs cell polarity complex component 1; plus strand). Cytogenetic location: 1q31.3.
Variant type: single nucleotide variant.
Coding change: c.1244T>A on transcript NM_201253.3 (MANE Select); coding-DNA position 1244, T replaced by A.
Protein change: p.Leu415Ter; replaces leucine 415 with a stop codon.
Molecular consequence: nonsense. On other transcripts: non-coding transcript variant (2).
Genome position (GRCh38, 1-based): chr1:197,421,072, T>A. VCF-style: chr1-197421072-T-A. GRCh37 (hg19) VCF-style: chr1-197390202-T-A.
Other names: NP_957705.1:p.(Leu415Ter); c.908T>A, p.Leu303Ter (NM_001193640.2); c.1037T>A, p.Leu346Ter (NM_001257965.2); c.1244T>A, p.Leu415Ter (NM_001257966.2); short protein forms L346*, L303*, L415*.
Identifiers: ClinVar variation 2953188 (VCV002953188.5), dbSNP rs760419335, ClinGen allele CA344029907.
Genomic context (GRCh38, chr1:197,421,072, plus strand): 5'-AAGAAGACGTCAATGAATGTTCTTCAAACCCTTGCCAAAATGGTGGTACTTGTGAGAACT[T>A]GCCTGGGAATTATACTTGCCATTGCCCATTTGATAACCTTTCTAGAACTTTTTATGGAGG-3'

ClinVar aggregate classification (germline): Pathogenic/Likely pathogenic. Review status: criteria provided, multiple submitters, no conflicts (2 of 4 stars). 2 submissions from 2 submitters: Pathogenic (1); Likely pathogenic (1). Last evaluated 2024-05-27.

Conditions:
Retinal dystrophy. Also called: Inherited retinal dystrophy. Identifiers: Orphanet 71862, MedGen C0854723, MeSH D058499, MONDO:0019118, HP:0000556.
Retinitis pigmentosa 12 (RP12). Also called: RP WITH OR WITHOUT PPRPE; RP WITH OR WITHOUT PRESERVED PARAARTERIOLE RETINAL PIGMENT EPITHELIUM; RETINITIS PIGMENTOSA WITH OR WITHOUT PARAARTERIOLAR PRESERVATION OF RETINAL PIGMENT EPITHELIUM. Identifiers: Orphanet 791, MedGen C1838647, MONDO:0010818, OMIM 600105.
Leber congenital amaurosis 8 (LCA8). Identifiers: Orphanet 65, MedGen C3151202, MONDO:0013453, OMIM 613835.

Submissions (2):

Ophthalmic Genetics Group, Institute of Molecular and Clinical Ophthalmology Basel
Classification: Likely pathogenic for Retinal dystrophy. Last evaluated: 2024-05-27. Review status: criteria provided, single submitter. Criteria: ACMG Guidelines, 2015. Collection method: research. Allele origin: germline. Affected: yes. Observed: 3 variant alleles.
Comment: This variant was classified as Likely pathogenic based on ACMG criteria: PVS1_very strong and PM2_sup

Labcorp Genetics (formerly Invitae), Labcorp
Classification: Pathogenic for Leber congenital amaurosis 8; Retinitis pigmentosa 12. Last evaluated: 2023-10-22. Review status: criteria provided, single submitter. Criteria: Invitae Variant Classification Sherloc (09022015). Collection method: clinical testing. Allele origin: germline.
Comment: This sequence change creates a premature translational stop signal (p.Leu415*) in the CRB1 gene. It is expected to result in an absent or disrupted protein product. Loss-of-function variants in CRB1 are known to be pathogenic (PMID: 10508521, 22065545, 23379534, 25412400, 26957898, 28041643, 29391521). This variant is not present in population databases (gnomAD no frequency). This variant has not been reported in the literature in individuals affected with CRB1-related conditions. For these reasons, this variant has been classified as Pathogenic.

Literature cited by the submitters: PubMed 2953188 (cited by Ophthalmic Genetics Group, Institute of Molecular and Clinical Ophthalmology Basel); PubMed 40180963 (cited by Ophthalmic Genetics Group, Institute of Molecular and Clinical Ophthalmology Basel); PubMed 10508521 (cited by Labcorp Genetics (formerly Invitae), Labcorp); PubMed 22065545 (cited by Labcorp Genetics (formerly Invitae), Labcorp); PubMed 23379534 (cited by Labcorp Genetics (formerly Invitae), Labcorp); PubMed 25412400 (cited by Labcorp Genetics (formerly Invitae), Labcorp); PubMed 26957898 (cited by Labcorp Genetics (formerly Invitae), Labcorp); PubMed 28041643 (cited by Labcorp Genetics (formerly Invitae), Labcorp); PubMed 29391521 (cited by Labcorp Genetics (formerly Invitae), Labcorp).